The following is an entry in ClinVar:

NM_024422.6(DSC2):c.848C>G (p.Ser283Cys)

Gene: DSC2 (desmocollin 2; minus strand). Cytogenetic location: 18q12.1.
Variant type: single nucleotide variant.
Coding change: c.848C>G on transcript NM_024422.6 (MANE Select); coding-DNA position 848, C replaced by G.
Protein change: p.Ser283Cys; replaces serine 283 with cysteine.
Molecular consequence: missense variant.
Genome position (GRCh38, 1-based): chr18:31,086,670, G>C on the plus strand (C>G on the coding strand, the complement: DSC2 is on the minus strand). VCF-style: chr18-31086670-G-C. GRCh37 (hg19) VCF-style: chr18-28666633-G-C.
Other names: c.848C>G, p.Ser283Cys (NM_004949.5); short protein forms S283C.
Identifiers: ClinVar variation 1405409 (VCV001405409.8), dbSNP rs2144830674, ClinGen allele CA402112154.

ClinVar aggregate classification (germline): Uncertain significance (1 of 4 stars; one submission).

Conditions:
Arrhythmogenic right ventricular dysplasia 11. Also called: Arrhythmogenic right ventricular dysplasia 11 with mild palmoplantar keratoderma and woolly hair; Arrhythmogenic Right Ventricular Dysplasia/Cardiomyopathy11; ARRHYTHMOGENIC RIGHT VENTRICULAR DYSPLASIA, FAMILIAL, 11. Identifiers: MedGen C1864850, MONDO:0012506, OMIM 610476.

Submission:

Labcorp Genetics (formerly Invitae), Labcorp
Classification: Uncertain significance for Arrhythmogenic right ventricular dysplasia 11. Last evaluated: 2021-07-13. Review status: criteria provided, single submitter. Criteria: Invitae Variant Classification Sherloc (09022015). Collection method: clinical testing. Allele origin: germline.
Comment: Algorithms developed to predict the effect of missense changes on protein structure and function are either unavailable or do not agree on the potential impact of this missense change (SIFT: "Deleterious"; PolyPhen-2: "Probably Damaging"; Align-GVGD: "Class C0"). In summary, the available evidence is currently insufficient to determine the role of this variant in disease. Therefore, it has been classified as a Variant of Uncertain Significance. This variant has not been reported in the literature in individuals affected with DSC2-related conditions. This variant is not present in population databases (ExAC no frequency). This sequence change replaces serine with cysteine at codon 283 of the DSC2 protein (p.Ser283Cys). The serine residue is moderately conserved and there is a moderate physicochemical difference between serine and cysteine.